The following is an entry in ClinVar:

NM_001429.4(EP300):c.1678G>T (p.Ala560Ser)

Gene: EP300 (EP300 lysine acetyltransferase; plus strand). Cytogenetic location: 22q13.2.
Variant type: single nucleotide variant.
Coding change: c.1678G>T on transcript NM_001429.4 (MANE Select); coding-DNA position 1678, G replaced by T.
Protein change: p.Ala560Ser; replaces alanine 560 with serine.
Molecular consequence: missense variant.
Genome position (GRCh38, 1-based): chr22:41,137,708, G>T. VCF-style: chr22-41137708-G-T. GRCh37 (hg19) VCF-style: chr22-41533712-G-T.
Other names: c.1678G>T, p.Ala560Ser (NM_001362843.2); short protein forms A560S.
Identifiers: ClinVar variation 4744363 (VCV004744363.1).
Genomic context (GRCh38, chr22:41,137,708, plus strand): 5'-TGAAGCCCAATGATGAGTGAAAATGCCAGTGTGCCCTCCCTGGGTCCTATGCCAACAGCA[G>T]CTCAACCATCCACTACTGGAATTCGGAAACAGTGGCACGAAGATATTACTCAGGATCTTC-3'
Protein context (NP_001420.2, residues 550-570): VPSLGPMPTA[Ala560Ser]QPSTTGIRKQ

ClinVar aggregate classification (germline): Uncertain significance (1 of 4 stars; one submission).

Conditions:
Rubinstein-Taybi syndrome due to EP300 haploinsufficiency. Also called: EP300-Related Rubinstein-Taybi Syndrome; RUBINSTEIN-TAYBI SYNDROME 2. Identifiers: Orphanet 353284, Orphanet 783, MedGen C3150941, MONDO:0013364, OMIM 613684.

Submission:

Labcorp Genetics (formerly Invitae), Labcorp
Classification: Uncertain significance for Rubinstein-Taybi syndrome due to EP300 haploinsufficiency. Last evaluated: 2025-07-06. Review status: criteria provided, single submitter. Criteria: Invitae Variant Classification Sherloc (09022015). Collection method: clinical testing. Allele origin: germline.
Comment: This sequence change replaces alanine, which is neutral and non-polar, with serine, which is neutral and polar, at codon 560 of the EP300 protein (p.Ala560Ser). This variant is not present in population databases (gnomAD no frequency). This variant has not been reported in the literature in individuals affected with EP300-related conditions. Invitae Evidence Modeling of protein sequence and biophysical properties (such as structural, functional, and spatial information, amino acid conservation, physicochemical variation, residue mobility, and thermodynamic stability) indicates that this missense variant is not expected to disrupt EP300 protein function with a negative predictive value of 80%. In summary, the available evidence is currently insufficient to determine the role of this variant in disease. Therefore, it has been classified as a Variant of Uncertain Significance.